The following is an entry in ClinVar:

ClinVar aggregate classification (germline): Uncertain significance (1 of 4 stars; one submission).

Submission:

Labcorp Genetics (formerly Invitae), Labcorp
Classification: Uncertain significance. Last evaluated: 2023-12-13. Review status: criteria provided, single submitter. Criteria: Invitae Variant Classification Sherloc (09022015). Collection method: clinical testing. Allele origin: germline.
Comment: This sequence change creates a premature translational stop signal (p.Ser245Argfs*11) in the DNA2 gene. It is expected to result in an absent or disrupted protein product. However, the current clinical and genetic evidence is not sufficient to establish whether loss-of-function variants in DNA2 cause disease. This variant is not present in population databases (gnomAD no frequency). This premature translational stop signal has been observed in individual(s) with clinical features of autosomal dominant DNA2-related conditions (Invitae). In summary, the available evidence is currently insufficient to determine the role of this variant in disease. Therefore, it has been classified as a Variant of Uncertain Significance.

NM_001080449.3(DNA2):c.735_738del (p.Ser245fs)

Gene: DNA2 (DNA replication helicase/nuclease 2; minus strand). Cytogenetic location: 10q21.3.
Variant type: Deletion.
Coding change: c.735_738del on transcript NM_001080449.3 (MANE Select); coding-DNA positions 735 to 738, 4 bases deleted (TAAG; older notation c.735_738delTAAG).
Protein change: p.Ser245fs; shifts the reading frame from serine 245.
Molecular consequence: frameshift variant. On other transcripts: non-coding transcript variant (1).
Genome position (GRCh38, 1-based): chr10:68,450,229-68,450,232, CTTA deleted on the plus strand (TAAG on the coding strand, the reverse complement: DNA2 is on the minus strand); deleting any 4 consecutive bases within chr10:68,450,229-68,450,234 gives the same sequence; the c. name uses the placement nearest the transcript's 3' end. VCF-style (leftmost placement, unchanged base first): chr10-68450228-CCTTA-C. GRCh37 (hg19) VCF-style: chr10-70209985-CCTTA-C.
Other names: short protein forms S245fs.
Identifiers: ClinVar variation 2803990 (VCV002803990.3), dbSNP rs2493973781, ClinGen allele CA2574563762.
Genomic context (GRCh38, chr10:68,450,228, plus strand): 5'-ACCAAATGCTTTCTTCAATATCCATTGGTTTCACGACTTCAATGTTACATGTTGAATTAT[CCTTA>C]CTATTATCACTTGGCCTGAAAAAAAAAAAAGCACAAAAACACTTAATTAGAACTCTTAGC-3'